The following is an entry in ClinVar:

ClinVar aggregate classification (germline): Uncertain significance (1 of 4 stars; one submission).

Allele frequency attached by ClinVar (database versions not stated): gnomAD exomes below 0.00001; TOPMed below 0.00001; gnomAD 0.00001.

Submission:

Labcorp Genetics (formerly Invitae), Labcorp
Classification: Uncertain significance. Last evaluated: 2023-08-07. Review status: criteria provided, single submitter. Criteria: Invitae Variant Classification Sherloc (09022015). Collection method: clinical testing. Allele origin: germline.
Comment: This sequence change replaces histidine, which is basic and polar, with arginine, which is basic and polar, at codon 780 of the TOP3A protein (p.His780Arg). This variant is present in population databases (no rsID available, gnomAD 0.004%). This variant has not been reported in the literature in individuals affected with TOP3A-related conditions. An algorithm developed to predict the effect of missense changes on protein structure and function (PolyPhen-2) suggests that this variant is likely to be tolerated. In summary, the available evidence is currently insufficient to determine the role of this variant in disease. Therefore, it has been classified as a Variant of Uncertain Significance.

NM_004618.5(TOP3A):c.2339A>G (p.His780Arg)

Gene: TOP3A (DNA topoisomerase III alpha; minus strand). Cytogenetic location: 17p11.2.
Variant type: single nucleotide variant.
Coding change: c.2339A>G on transcript NM_004618.5 (MANE Select); coding-DNA position 2339, A replaced by G.
Protein change: p.His780Arg; replaces histidine 780 with arginine.
Molecular consequence: missense variant.
Genome position (GRCh38, 1-based): chr17:18,278,163, T>C on the plus strand (A>G on the coding strand, the complement: TOP3A is on the minus strand). VCF-style: chr17-18278163-T-C. GRCh37 (hg19) VCF-style: chr17-18181477-T-C.
Other names: c.2054A>G, p.His685Arg (NM_001320759.2); short protein forms H685R, H780R.
Identifiers: ClinVar variation 3020227 (VCV003020227.3), dbSNP rs1402191859, ClinGen allele CA398624580.